The following is an entry in ClinVar:

ClinVar aggregate classification (germline): Uncertain significance (1 of 4 stars; one submission).

Allele frequency attached by ClinVar (database versions not stated): TOPMed below 0.00001; ESP Exome Variant Server 0.00008.

Submission:

Labcorp Genetics (formerly Invitae), Labcorp
Classification: Uncertain significance. Last evaluated: 2022-07-19. Review status: criteria provided, single submitter. Criteria: Invitae Variant Classification Sherloc (09022015). Collection method: clinical testing. Allele origin: germline.
Comment: In summary, the available evidence is currently insufficient to determine the role of this variant in disease. Therefore, it has been classified as a Variant of Uncertain Significance. Algorithms developed to predict the effect of missense changes on protein structure and function (SIFT, PolyPhen-2, Align-GVGD) all suggest that this variant is likely to be disruptive. This variant has not been reported in the literature in individuals affected with KIAA1549-related conditions. This variant is not present in population databases (gnomAD no frequency). This sequence change replaces isoleucine, which is neutral and non-polar, with threonine, which is neutral and polar, at codon 1276 of the KIAA1549 protein (p.Ile1276Thr).

NM_001164665.2(KIAA1549):c.3827T>C (p.Ile1276Thr)

Gene: KIAA1549 (KIAA1549; minus strand). Cytogenetic location: 7q34.
Variant type: single nucleotide variant.
Coding change: c.3827T>C on transcript NM_001164665.2 (MANE Select); coding-DNA position 3827, T replaced by C.
Protein change: p.Ile1276Thr; replaces isoleucine 1276 with threonine.
Molecular consequence: missense variant.
Genome position (GRCh38, 1-based): chr7:138,898,975, A>G on the plus strand (T>C on the coding strand, the complement: KIAA1549 is on the minus strand). VCF-style: chr7-138898975-A-G. GRCh37 (hg19) VCF-style: chr7-138583721-A-G.
Other names: c.3827T>C, p.Ile1276Thr (NM_020910.3); short protein forms I1276T.
Identifiers: ClinVar variation 2038291 (VCV002038291.4), dbSNP rs370879599, ClinGen allele CA167151421.